The following is an entry in ClinVar:

NM_207361.6(FREM2):c.4540G>A (p.Gly1514Arg)

Gene: FREM2 (FRAS1 related extracellular matrix 2; plus strand). Cytogenetic location: 13q13.3.
Variant type: single nucleotide variant.
Coding change: c.4540G>A on transcript NM_207361.6 (MANE Select); coding-DNA position 4540, G replaced by A.
Protein change: p.Gly1514Arg; replaces glycine 1514 with arginine.
Molecular consequence: missense variant.
Genome position (GRCh38, 1-based): chr13:38,691,884, G>A. VCF-style: chr13-38691884-G-A. GRCh37 (hg19) VCF-style: chr13-39266021-G-A.
Other names: short protein forms G1514R.
Identifiers: ClinVar variation 4737443 (VCV004737443.1).

ClinVar aggregate classification (germline): Uncertain significance (1 of 4 stars; one submission).

gnomAD v4.1: 84 of 1,614,146 alleles (0.0052%); highest among the groups gnomAD compares: South Asian, 0.083%; 3 homozygotes.

Submission:

Labcorp Genetics (formerly Invitae), Labcorp
Classification: Uncertain significance. Last evaluated: 2025-12-08. Review status: criteria provided, single submitter. Criteria: Invitae Variant Classification Sherloc (09022015). Collection method: clinical testing. Allele origin: germline.
Comment: This sequence change replaces glycine, which is neutral and non-polar, with arginine, which is basic and polar, at codon 1514 of the FREM2 protein (p.Gly1514Arg). This variant is present in population databases (rs760079191, gnomAD 0.06%). This variant has not been reported in the literature in individuals affected with FREM2-related conditions. Invitae Evidence Modeling of protein sequence and biophysical properties (such as structural, functional, and spatial information, amino acid conservation, physicochemical variation, residue mobility, and thermodynamic stability) indicates that this missense variant is expected to disrupt FREM2 protein function with a positive predictive value of 80%. In summary, the available evidence is currently insufficient to determine the role of this variant in disease. Therefore, it has been classified as a Variant of Uncertain Significance.